The following is an entry in ClinVar:

ClinVar aggregate classification (germline): Conflicting classifications of pathogenicity. Review status: criteria provided, conflicting classifications (1 of 4 stars). 2 submissions from 2 submitters: Uncertain significance (1); Benign (1). Last evaluated 2026-07-29.

Conditions:
Cardiovascular phenotype. Identifiers: MedGen CN230736.

gnomAD v4.1: 22 of 1,550,322 alleles (0.0014%); highest among the groups gnomAD compares: Admixed American, 0.027%; no homozygotes.

Submissions (2):

Ambry Genetics
Classification: Benign for Cardiovascular phenotype. Last evaluated: 2026-07-29. Review status: criteria provided, single submitter. Criteria: Ambry Variant Classification Scheme 2023. Collection method: clinical testing. Allele origin: germline.

GeneDx
Classification: Uncertain significance. Last evaluated: 2024-10-14. Review status: criteria provided, single submitter. Criteria: GeneDx Variant Classification Process June 2021. Collection method: clinical testing. Allele origin: germline. Affected: yes.
Comment: In silico analysis indicates that this missense variant does not alter protein structure/function; Has not been previously published as pathogenic or benign to our knowledge

NM_001367624.2(ZNF469):c.11348G>A (p.Arg3783Gln)

Gene: ZNF469 (zinc finger protein 469; plus strand). Cytogenetic location: 16q24.2.
Variant type: single nucleotide variant.
Coding change: c.11348G>A on transcript NM_001367624.2 (MANE Select); coding-DNA position 11348, G replaced by A.
Protein change: p.Arg3783Gln; replaces arginine 3783 with glutamine.
Molecular consequence: missense variant.
Genome position (GRCh38, 1-based): chr16:88,438,818, G>A. VCF-style: chr16-88438818-G-A. GRCh37 (hg19) VCF-style: chr16-88505226-G-A.
Other names: NM_001127464.1:c.11264G>A; short protein forms R3783Q.
Identifiers: ClinVar variation 3777286 (VCV003777286.2).